The following is an entry in ClinVar:

ClinVar aggregate classification (germline): Uncertain significance (1 of 4 stars; one submission).

Allele frequency attached by ClinVar (database versions not stated): gnomAD 0.00001; ExAC 0.00002.
gnomAD v4.1: 2 of 1,613,460 alleles (0.00012%); highest among the groups gnomAD compares: African/African-American, 0.0027%; no homozygotes.

Submission:

Labcorp Genetics (formerly Invitae), Labcorp
Classification: Uncertain significance. Last evaluated: 2025-12-23. Review status: criteria provided, single submitter. Criteria: Invitae Variant Classification Sherloc (09022015). Collection method: clinical testing. Allele origin: germline.
Comment: This sequence change creates a premature translational stop signal (p.Tyr812*) in the TNNI3K gene. While this is not anticipated to result in nonsense mediated decay, it is expected to disrupt the last 24 amino acid(s) of the TNNI3K protein. This variant is present in population databases (rs753360041, gnomAD 0.01%). This variant has not been reported in the literature in individuals affected with TNNI3K-related conditions. ClinVar contains an entry for this variant (Variation ID: 2956575). Experimental studies and prediction algorithms are not available or were not evaluated, and the functional significance of this variant is currently unknown. In summary, the available evidence is currently insufficient to determine the role of this variant in disease. Therefore, it has been classified as a Variant of Uncertain Significance.

NM_015978.3(TNNI3K):c.2436T>A (p.Tyr812Ter)

Genes: FPGT-TNNI3K (FPGT-TNNI3K readthrough; plus strand), TNNI3K (TNNI3 interacting kinase; plus strand). Cytogenetic location: 1p31.1.
Variant type: single nucleotide variant.
Coding change: c.2436T>A on transcript NM_015978.3 (MANE Select); coding-DNA position 2436, T replaced by A.
Protein change: p.Tyr812Ter; replaces tyrosine 812 with a stop codon.
Molecular consequence: nonsense.
Genome position (GRCh38, 1-based): chr1:74,543,910, T>A. VCF-style: chr1-74543910-T-A. GRCh37 (hg19) VCF-style: chr1-75009594-T-A.
Other names: c.2739T>A, p.Tyr913Ter (NM_001112808.3); short protein forms Y812*, Y913*.
Identifiers: ClinVar variation 2956575 (VCV002956575.3), dbSNP rs753360041, ClinGen allele CA909912.